The following is an entry in ClinVar:

NM_001113378.2(FANCI):c.1324G>T (p.Glu442Ter)

Gene: FANCI (FA complementation group I; plus strand). Cytogenetic location: 15q26.1.
Variant type: single nucleotide variant.
Coding change: c.1324G>T on transcript NM_001113378.2 (MANE Select); coding-DNA position 1324, G replaced by T.
Protein change: p.Glu442Ter; replaces glutamic acid 442 with a stop codon.
Molecular consequence: nonsense.
Genome position (GRCh38, 1-based): chr15:89,278,717, G>T. VCF-style: chr15-89278717-G-T. GRCh37 (hg19) VCF-style: chr15-89821948-G-T.
Other names: c.1045G>T, p.Glu349Ter (NM_001376910.1); c.1324G>T, p.Glu442Ter (NM_001376911.1, NM_018193.3); short protein forms E349*, E442*.
Identifiers: ClinVar variation 3689084 (VCV003689084.2).

ClinVar aggregate classification (germline): Pathogenic (1 of 4 stars; one submission).

Conditions:
Fanconi anemia (FA). Also called: Fanconi's anemia. Identifiers: Orphanet 84, MedGen C0015625, MeSH D005199, MONDO:0019391.

Submission:

Labcorp Genetics (formerly Invitae), Labcorp
Classification: Pathogenic for Fanconi anemia. Last evaluated: 2024-12-15. Review status: criteria provided, single submitter. Criteria: Invitae Variant Classification Sherloc (09022015). Collection method: clinical testing. Allele origin: germline.
Comment: This sequence change creates a premature translational stop signal (p.Glu442*) in the FANCI gene. It is expected to result in an absent or disrupted protein product. Loss-of-function variants in FANCI are known to be pathogenic (PMID: 17452773, 17460694). This variant is not present in population databases (gnomAD no frequency). This variant has not been reported in the literature in individuals affected with FANCI-related conditions. Algorithms developed to predict the effect of sequence changes on RNA splicing suggest that this variant may disrupt the consensus splice site. For these reasons, this variant has been classified as Pathogenic.

Literature cited by the submitters: PubMed 17452773; PubMed 17460694.